The following is an entry in ClinVar:

ClinVar aggregate classification (germline): Uncertain significance (1 of 4 stars; one submission).

Allele frequency attached by ClinVar (database versions not stated): TOPMed below 0.00001; ExAC 0.00001; gnomAD 0.00001.
gnomAD v4.1: 1 of 1,613,390 alleles (0.000062%); highest among the groups gnomAD compares: African/African-American, 0.0013%; no homozygotes.

Submission:

Labcorp Genetics (formerly Invitae), Labcorp
Classification: Uncertain significance. Last evaluated: 2024-03-10. Review status: criteria provided, single submitter. Criteria: Invitae Variant Classification Sherloc (09022015). Collection method: clinical testing. Allele origin: germline.
Comment: This sequence change replaces tyrosine, which is neutral and polar, with histidine, which is basic and polar, at codon 642 of the TNNI3K protein (p.Tyr642His). This variant is present in population databases (rs750175652, gnomAD 0.007%). This variant has not been reported in the literature in individuals affected with TNNI3K-related conditions. ClinVar contains an entry for this variant (Variation ID: 1974938). An algorithm developed to predict the effect of missense changes on protein structure and function (PolyPhen-2) suggests that this variant is likely to be disruptive. In summary, the available evidence is currently insufficient to determine the role of this variant in disease. Therefore, it has been classified as a Variant of Uncertain Significance.

NM_015978.3(TNNI3K):c.1924T>C (p.Tyr642His)

Genes: FPGT-TNNI3K (FPGT-TNNI3K readthrough; plus strand), TNNI3K (TNNI3 interacting kinase; plus strand). Cytogenetic location: 1p31.1.
Variant type: single nucleotide variant.
Coding change: c.1924T>C on transcript NM_015978.3 (MANE Select); coding-DNA position 1924, T replaced by C.
Protein change: p.Tyr642His; replaces tyrosine 642 with histidine.
Molecular consequence: missense variant.
Genome position (GRCh38, 1-based): chr1:74,439,535, T>C. VCF-style: chr1-74439535-T-C. GRCh37 (hg19) VCF-style: chr1-74905219-T-C.
Other names: c.2227T>C, p.Tyr743His (NM_001112808.3, NM_001199327.2); short protein forms Y743H, Y642H.
Identifiers: ClinVar variation 1974938 (VCV001974938.5), dbSNP rs750175652, ClinGen allele CA909517.